The following is an entry in ClinVar:

ClinVar aggregate classification (germline): Conflicting classifications of pathogenicity. Review status: criteria provided, conflicting classifications (1 of 4 stars). 6 submissions from 6 submitters: Pathogenic (1); Likely pathogenic (3); Uncertain significance (1). 1 of the submissions does not count toward it. Last evaluated 2025-08-01.

Conditions:
USH2A-related disorder. Also called: USH2A-related condition; USH2A-related disorders. Identifiers: MedGen CN239332.
Retinitis pigmentosa 39 (RP39). Identifiers: Orphanet 791, MedGen C3151138, MONDO:0013436, OMIM 613809.
Retinal dystrophy. Also called: Inherited retinal dystrophy. Identifiers: Orphanet 71862, MedGen C0854723, MeSH D058499, MONDO:0019118, HP:0000556.
Usher syndrome type 2A. Also called: RETINAL DISEASE IN USHER SYNDROME TYPE IIA, MODIFIER OF; USHER SYNDROME, TYPE IIA. Identifiers: Orphanet 231178, Orphanet 886, MedGen C1848634, MONDO:0010169, OMIM 276901.

Allele frequency attached by ClinVar (database versions not stated): gnomAD 0.00001 and 0.00002; TOPMed 0.00004; ESP Exome Variant Server 0.00015.
gnomAD v4.1: 20 of 1,613,978 alleles (0.0012%); highest among the groups gnomAD compares: Middle Eastern, 0.016%; no homozygotes.

Submissions (6):

3billion
Classification: Likely pathogenic for Retinitis pigmentosa 39. Last evaluated: 2025-08-01. Review status: criteria provided, single submitter. Criteria: ACMG Guidelines, 2015. Collection method: clinical testing. Allele origin: germline. Affected: yes.
Comment: The variant is observed at an extremely low frequency in the gnomAD v4.1.0 dataset (total allele frequency: 0.001%). Predicted Consequence/Location: Missense variant The same nucleotide change resulting in the same amino acid change has been previously reported as pathogenic/likely pathogenic with strong evidence (ClinVar ID: VCV000865757). A different missense change at the same codon (p.Arg4187Pro) has been reported to be associated with USH2A-related disorder (ClinVar ID: VCV002747886). Therefore, this variant is classified as Likely pathogenic according to the recommendation of ACMG/AMP guideline.

Fulgent Genetics
Classification: Likely pathogenic for Usher syndrome type 2A; Retinitis pigmentosa 39. Last evaluated: 2024-05-30. Review status: criteria provided, single submitter. Criteria: ACMG Guidelines, 2015. Collection method: clinical testing. Allele origin: germline.

Labcorp Genetics (formerly Invitae), Labcorp
Classification: Pathogenic. Last evaluated: 2024-03-01. Review status: criteria provided, single submitter. Criteria: Invitae Variant Classification Sherloc (09022015). Collection method: clinical testing. Allele origin: germline.
Comment: This sequence change replaces arginine, which is basic and polar, with histidine, which is basic and polar, at codon 4187 of the USH2A protein (p.Arg4187His). This variant is present in population databases (rs147304271, gnomAD 0.004%). This missense change has been observed in individual(s) with clinical features of USH2A-related conditions (PMID: 24938718, 31054281, 32050993, 32188678, 33090715; Invitae). In at least one individual the data is consistent with being in trans (on the opposite chromosome) from a pathogenic variant. ClinVar contains an entry for this variant (Variation ID: 865757). Advanced modeling of protein sequence and biophysical properties (such as structural, functional, and spatial information, amino acid conservation, physicochemical variation, residue mobility, and thermodynamic stability) performed at Invitae indicates that this missense variant is not expected to disrupt USH2A protein function with a negative predictive value of 95%. For these reasons, this variant has been classified as Pathogenic.

Blueprint Genetics
Classification: Likely pathogenic for USH2A-related disorders. Last evaluated: 2023-12-29. Review status: criteria provided, single submitter. Criteria: ACMG Guidelines, 2015. Collection method: clinical testing. Allele origin: germline. Affected: yes. Observed: 5 variant alleles.

Dept Of Ophthalmology, Nagoya University
Classification: Uncertain significance for Retinal dystrophy. Last evaluated: 2023-10-01. Review status: criteria provided, single submitter. Criteria: Submitter's publication. Collection method: research. Allele origin: germline. Affected: yes.

Natera, Inc.
Classification: Uncertain significance for Usher syndrome type 2A. Last evaluated: 2019-11-06. Review status: no assertion criteria provided. Collection method: clinical testing. Allele origin: germline. Not counted in ClinVar's aggregate classification.

Literature cited by the submitters: PubMed 24938718 (cited by Labcorp Genetics (formerly Invitae), Labcorp); PubMed 31054281 (cited by Labcorp Genetics (formerly Invitae), Labcorp); PubMed 32050993 (cited by Labcorp Genetics (formerly Invitae), Labcorp); PubMed 32188678 (cited by Labcorp Genetics (formerly Invitae), Labcorp); PubMed 33090715 (cited by Labcorp Genetics (formerly Invitae), Labcorp).

NM_206933.4(USH2A):c.12560G>A (p.Arg4187His)

Gene: USH2A (usherin; minus strand). Cytogenetic location: 1q41.
Variant type: single nucleotide variant.
Coding change: c.12560G>A on transcript NM_206933.4 (MANE Select); coding-DNA position 12560, G replaced by A.
Protein change: p.Arg4187His; replaces arginine 4187 with histidine.
Molecular consequence: missense variant.
Genome position (GRCh38, 1-based): chr1:215,675,351, C>T on the plus strand (G>A on the coding strand, the complement: USH2A is on the minus strand). VCF-style: chr1-215675351-C-T. GRCh37 (hg19) VCF-style: chr1-215848693-C-T.
Other names: short protein forms R4187H.
Identifiers: ClinVar variation 865757 (VCV000865757.13), dbSNP rs147304271, ClinGen allele CA1393450.
Genomic context (GRCh38, chr1:215,675,351, plus strand): 5'-GCCTGGATTGTCTGATTTCCCCAAGCTTTTCCCTCGAAGCATCTGCGAATCACTTCATAG[C>T]GAATTATTTTTCCATTTGGGTTAACAGGCTCAGACCAGCTCAGCTCAACACTGGTGGACT-3'
Protein context (NP_996816.3, residues 4177-4197): EPVNPNGKII[Arg4187His]YEVIRRCFEG